The following is an entry in ClinVar:

NM_021973.3(HAND2):c.365T>C (p.Leu122Pro)

Genes: HAND2 (heart and neural crest derivatives expressed 2; minus strand), HAND2-AS1 (HAND2 antisense RNA 1; plus strand). Cytogenetic location: 4q34.1.
Variant type: single nucleotide variant.
Coding change: c.365T>C on transcript NM_021973.3 (MANE Select); coding-DNA position 365, T replaced by C.
Protein change: p.Leu122Pro; replaces leucine 122 with proline.
Molecular consequence: missense variant.
Genome position (GRCh38, 1-based): chr4:173,528,925, A>G on the plus strand (T>C on the coding strand, the complement: HAND2 is on the minus strand). VCF-style: chr4-173528925-A-G. GRCh37 (hg19) VCF-style: chr4-174450076-A-G.
Other names: short protein forms L122P.
Identifiers: ClinVar variation 1516684 (VCV001516684.8), dbSNP rs2110905803, ClinGen allele CA358758940.

ClinVar aggregate classification (germline): Uncertain significance (1 of 4 stars; one submission).

Submission:

Labcorp Genetics (formerly Invitae), Labcorp
Classification: Uncertain significance. Last evaluated: 2024-05-11. Review status: criteria provided, single submitter. Criteria: Invitae Variant Classification Sherloc (09022015). Collection method: clinical testing. Allele origin: germline.
Comment: This sequence change replaces leucine, which is neutral and non-polar, with proline, which is neutral and non-polar, at codon 122 of the HAND2 protein (p.Leu122Pro). This variant is not present in population databases (gnomAD no frequency). This variant has not been reported in the literature in individuals affected with HAND2-related conditions. ClinVar contains an entry for this variant (Variation ID: 1516684). An algorithm developed to predict the effect of missense changes on protein structure and function (PolyPhen-2) suggests that this variant is likely to be disruptive. In summary, the available evidence is currently insufficient to determine the role of this variant in disease. Therefore, it has been classified as a Variant of Uncertain Significance.